The following is an entry in ClinVar:

NM_002539.3(ODC1):c.791C>T (p.Pro264Leu)

Gene: ODC1 (ornithine decarboxylase 1; minus strand). Cytogenetic location: 2p25.1.
Variant type: single nucleotide variant.
Coding change: c.791C>T on transcript NM_002539.3 (MANE Select); coding-DNA position 791, C replaced by T.
Protein change: p.Pro264Leu; replaces proline 264 with leucine.
Molecular consequence: missense variant.
Genome position (GRCh38, 1-based): chr2:10,442,134, G>A on the plus strand (C>T on the coding strand, the complement: ODC1 is on the minus strand). VCF-style: chr2-10442134-G-A. GRCh37 (hg19) VCF-style: chr2-10582260-G-A.
Other names: c.404C>T, p.Pro135Leu (NM_001287188.2); c.791C>T, p.Pro264Leu (NM_001287189.2, NM_001287190.2); c.791C>T (NM_002539.1); short protein forms P135L, P264L.
Identifiers: ClinVar variation 1326728 (VCV001326728.4), dbSNP rs1471701681, ClinGen allele CA345814549.

ClinVar aggregate classification (germline): Uncertain significance. Review status: criteria provided, multiple submitters, no conflicts (2 of 4 stars). 2 submissions from 2 submitters: Uncertain significance (2). Last evaluated 2025-05-01.

Conditions:
Inborn genetic diseases. Identifiers: MedGen C0950123, MeSH D030342.

Allele frequency attached by ClinVar (database versions not stated): gnomAD exomes 0.00001.
gnomAD v4.1: 6 of 1,613,654 alleles (0.00037%); highest among the groups gnomAD compares: Non-Finnish European, 0.00051%; no homozygotes.

Submissions (2):

Ambry Genetics
Classification: Uncertain significance for Inborn genetic diseases. Last evaluated: 2025-05-01. Review status: criteria provided, single submitter. Criteria: Ambry Variant Classification Scheme 2023. Collection method: clinical testing. Allele origin: germline.

GeneDx
Classification: Uncertain significance. Last evaluated: 2023-04-12. Review status: criteria provided, single submitter. Criteria: GeneDx Variant Classification Process June 2021. Collection method: clinical testing. Allele origin: germline. Affected: yes.
Comment: Not observed at significant frequency in large population cohorts (gnomAD); In silico analysis supports that this missense variant has a deleterious effect on protein structure/function; Has not been previously published as pathogenic or benign to our knowledge